The following is an entry in ClinVar:

ClinVar aggregate classification (germline): Uncertain significance (1 of 4 stars; one submission).

Conditions:
Jeune thoracic dystrophy. Also called: Jeune syndrome; Infantile thoracic dystrophy; Thoracic pelvic phalangeal dystrophy; Jeune's syndrome; Chondroectodermal dysplasia-like syndrome; Short-rib thoracic dysplasia. Identifiers: Orphanet 474, MedGen C0265275, MONDO:0018770.

Allele frequency attached by ClinVar (database versions not stated): gnomAD 0.00001; gnomAD exomes 0.00001; TOPMed 0.00001.
gnomAD v4.1: 9 of 1,612,976 alleles (0.00056%); highest among the groups gnomAD compares: Non-Finnish European, 0.00076%; no homozygotes.

Submission:

Labcorp Genetics (formerly Invitae), Labcorp
Classification: Uncertain significance for Jeune thoracic dystrophy. Last evaluated: 2024-03-11. Review status: criteria provided, single submitter. Criteria: Invitae Variant Classification Sherloc (09022015). Collection method: clinical testing. Allele origin: germline.
Comment: This sequence change replaces isoleucine, which is neutral and non-polar, with valine, which is neutral and non-polar, at codon 561 of the DYNC2H1 protein (p.Ile561Val). This variant is not present in population databases (gnomAD no frequency). This variant has not been reported in the literature in individuals affected with DYNC2H1-related conditions. ClinVar contains an entry for this variant (Variation ID: 2169008). Advanced modeling of protein sequence and biophysical properties (such as structural, functional, and spatial information, amino acid conservation, physicochemical variation, residue mobility, and thermodynamic stability) performed at Invitae indicates that this missense variant is not expected to disrupt DYNC2H1 protein function with a negative predictive value of 95%. In summary, the available evidence is currently insufficient to determine the role of this variant in disease. Therefore, it has been classified as a Variant of Uncertain Significance.

NM_001377.3(DYNC2H1):c.1681A>G (p.Ile561Val)

Gene: DYNC2H1 (dynein cytoplasmic 2 heavy chain 1; plus strand). Cytogenetic location: 11q22.3.
Variant type: single nucleotide variant.
Coding change: c.1681A>G on transcript NM_001377.3 (MANE Select); coding-DNA position 1681, A replaced by G.
Protein change: p.Ile561Val; replaces isoleucine 561 with valine.
Molecular consequence: missense variant.
Genome position (GRCh38, 1-based): chr11:103,125,119, A>G. VCF-style: chr11-103125119-A-G. GRCh37 (hg19) VCF-style: chr11-102995848-A-G.
Other names: c.1681A>G, p.Ile561Val (NM_001080463.2); short protein forms I561V.
Identifiers: ClinVar variation 2169008 (VCV002169008.3), dbSNP rs1489786604, ClinGen allele CA382254905.